The following is an entry in ClinVar:

ClinVar aggregate classification (germline): Pathogenic (1 of 4 stars; one submission).

Conditions:
Retinoblastoma (RB1). Also called: RETINOBLASTOMA, SOMATIC. Identifiers: Orphanet 790, MedGen C0035335, MeSH D012175, MONDO:0008380, OMIM 180200, HP:0009919. Disease mechanism: loss of function. Inheritance: Both sporadic and heritable forms are tested..

Submission:

Genetic Diagnostic Laboratory, University of Pennsylvania School of Medicine
Classification: Pathogenic for Retinoblastoma. Last evaluated: 2024-05-20. Review status: criteria provided, single submitter. Criteria: ACMG Guidelines, 2015. Collection method: clinical testing. Allele origin: germline. Affected: yes. Observed: 1 variant allele.
Comment: Case and Pedigree Information: BILATERAL CASES:0, UNILATERAL CASES:1, TOTAL CASES:1, PEDIGREES:1. ACMG Codes Applied:PVS1, PM2

NM_000321.3(RB1):c.235G>T (p.Glu79Ter)

Gene: RB1 (RB transcriptional corepressor 1; plus strand). Cytogenetic location: 13q14.2.
Variant type: single nucleotide variant.
Coding change: c.235G>T on transcript NM_000321.3 (MANE Select); coding-DNA position 235, G replaced by T.
Protein change: p.Glu79Ter; replaces glutamic acid 79 with a stop codon.
Molecular consequence: nonsense.
Genome position (GRCh38, 1-based): chr13:48,307,377, G>T. VCF-style: chr13-48307377-G-T. GRCh37 (hg19) VCF-style: chr13-48881513-G-T.
Other names: c.235G>T, p.Glu79Ter (NM_001407165.1, NM_001407166.1, NM_001407167.1); short protein forms E79*.
Identifiers: ClinVar variation 3237114 (VCV003237114.1), dbSNP rs1060503090.